The following is an entry in ClinVar:

NM_000391.4(TPP1):c.790C>T (p.Gln264Ter)

Gene: TPP1 (tripeptidyl peptidase 1; minus strand). Cytogenetic location: 11p15.4.
Variant type: single nucleotide variant.
Coding change: c.790C>T on transcript NM_000391.4 (MANE Select); coding-DNA position 790, C replaced by T.
Protein change: p.Gln264Ter; replaces glutamine 264 with a stop codon.
Molecular consequence: nonsense.
Genome position (GRCh38, 1-based): chr11:6,616,757, G>A on the plus strand (C>T on the coding strand, the complement: TPP1 is on the minus strand). VCF-style: chr11-6616757-G-A. GRCh37 (hg19) VCF-style: chr11-6637988-G-A.
Other names: short protein forms Q264*.
Identifiers: ClinVar variation 1696130 (VCV001696130.5), dbSNP rs1405952769, ClinGen allele CA379475063.

ClinVar aggregate classification (germline): Pathogenic. Review status: criteria provided, multiple submitters, no conflicts (2 of 4 stars). 3 submissions from 3 submitters: Pathogenic (3). Last evaluated 2025-10-04.

Conditions:
Neuronal ceroid lipofuscinosis. Also called: Neuronal Ceroid Lipofuscinoses. Identifiers: Orphanet 216, Orphanet 79263, MedGen C0027877, MONDO:0016295. Disease mechanism: loss of function.
Neuronal ceroid lipofuscinosis 2. Also called: JANSKY-BIELSCHOWSKY DISEASE NEURONAL CEROID LIPOFUSCINOSIS, LATE INFANTILE; TPP1-Related Neuronal Ceroid-Lipofuscinosis. Identifiers: Orphanet 168491, Orphanet 228349, Orphanet 79264, MedGen C1876161, MONDO:0008769, OMIM 204500.

Allele frequency attached by ClinVar (database versions not stated): gnomAD exomes below 0.00001.

Submissions (3):

Natera, Inc.
Classification: Pathogenic for Neuronal ceroid lipofuscinosis 2. Last evaluated: 2025-10-04. Review status: criteria provided, single submitter. Criteria: Natera Variant Classification Schema (03/2026). Collection method: clinical testing. Allele origin: germline.
Comment: The c.790C>T variant in TPP1 is a nonsense variant predicted to introduce a stop codon at amino acid 264. This variant is expected to result in nonsense mediated decay, truncation, or a dysfunctional protein product. This variant is rare in the general population with a frequency below the threshold expected for the associated phenotype(s). This variant has been observed in one or more individuals affected with the associated recessive disease, as either homozygous or compound heterozygous with a second variant (PMID: 27146152). Given the available evidence, this variant is classified as Pathogenic.

Labcorp Genetics (formerly Invitae), Labcorp
Classification: Pathogenic. Last evaluated: 2023-11-17. Review status: criteria provided, single submitter. Criteria: Invitae Variant Classification Sherloc (09022015). Collection method: clinical testing. Allele origin: germline.
Comment: This sequence change creates a premature translational stop signal (p.Gln264*) in the TPP1 gene. It is expected to result in an absent or disrupted protein product. Loss-of-function variants in TPP1 are known to be pathogenic (PMID: 10330339). This variant is not present in population databases (gnomAD no frequency). This premature translational stop signal has been observed in individual(s) with autosomal recessive neuronal ceroid lipofuscinosis (PMID: 26143525). ClinVar contains an entry for this variant (Variation ID: 1696130). Algorithms developed to predict the effect of sequence changes on RNA splicing suggest that this variant may disrupt the consensus splice site. For these reasons, this variant has been classified as Pathogenic.

Women's Health and Genetics/Laboratory Corporation of America, LabCorp
Classification: Pathogenic for Neuronal ceroid lipofuscinosis. Last evaluated: 2022-05-02. Review status: criteria provided, single submitter. Criteria: LabCorp Variant Classification Summary - May 2015. Collection method: clinical testing. Allele origin: germline.
Comment: Variant summary: TPP1 c.790C>T (p.Gln264X) results in a premature termination codon, predicted to cause a truncation of the encoded protein or absence of the protein due to nonsense mediated decay, which are commonly known mechanisms for disease. Truncations downstream of this position have been classified as pathogenic by our laboratory. The variant was absent in 251370 control chromosomes. c.790C>T has been reported in the literature in individuals affected with Neuronal Ceroid-Lipofuscinosis (Batten Disease) or related disorders. These data indicate that the variant is likely to be associated with disease. No clinical diagnostic laboratories have submitted clinical-significance assessments for this variant to ClinVar after 2014. Based on the evidence outlined above, the variant was classified as pathogenic.

Literature cited by the submitters: PubMed 27146152 (cited by Natera, Inc. and Women's Health and Genetics/Laboratory Corporation of America, LabCorp); PubMed 10330339 (cited by Labcorp Genetics (formerly Invitae), Labcorp); PubMed 26143525 (cited by Labcorp Genetics (formerly Invitae), Labcorp and Women's Health and Genetics/Laboratory Corporation of America, LabCorp).